The following is an entry in ClinVar:

ClinVar aggregate classification (germline): Uncertain significance (1 of 4 stars; one submission).

gnomAD v4.1: 2 of 1,613,386 alleles (0.00012%); highest among the groups gnomAD compares: Non-Finnish European, 0.00017%; no homozygotes.

Submission:

Labcorp Genetics (formerly Invitae), Labcorp
Classification: Uncertain significance. Last evaluated: 2023-08-16. Review status: criteria provided, single submitter. Criteria: Invitae Variant Classification Sherloc (09022015). Collection method: clinical testing. Allele origin: germline.
Comment: In summary, the available evidence is currently insufficient to determine the role of this variant in disease. Therefore, it has been classified as a Variant of Uncertain Significance. Advanced modeling of protein sequence and biophysical properties (such as structural, functional, and spatial information, amino acid conservation, physicochemical variation, residue mobility, and thermodynamic stability) performed at Invitae indicates that this missense variant is expected to disrupt RASA2 protein function. ClinVar contains an entry for this variant (Variation ID: 1380783). This variant has not been reported in the literature in individuals affected with RASA2-related conditions. This variant is not present in population databases (gnomAD no frequency). This sequence change replaces proline, which is neutral and non-polar, with arginine, which is basic and polar, at codon 363 of the RASA2 protein (p.Pro363Arg).

NM_006506.5(RASA2):c.1088C>G (p.Pro363Arg)

Gene: RASA2 (RAS p21 protein activator 2; plus strand). Cytogenetic location: 3q23.
Variant type: single nucleotide variant.
Coding change: c.1088C>G on transcript NM_006506.5 (MANE Select); coding-DNA position 1088, C replaced by G.
Protein change: p.Pro363Arg; replaces proline 363 with arginine.
Molecular consequence: missense variant.
Genome position (GRCh38, 1-based): chr3:141,571,473, C>G. VCF-style: chr3-141571473-C-G. GRCh37 (hg19) VCF-style: chr3-141290315-C-G.
Other names: c.1088C>G, p.Pro363Arg (NM_001303245.3, NM_001303246.3); short protein forms P363R.
Identifiers: ClinVar variation 1380783 (VCV001380783.8), dbSNP rs2151129725, ClinGen allele CA354776058.
Genomic context (GRCh38, chr3:141,571,473, plus strand): 5'-CTGCCTCAGCTGCTTACATTTTGAGTGAAATATGTCGAGATAAAAATGATGCTGTTTTGC[C>G]CCTTGTACGACTGCTGCTGCACCATGATAAACTTGTTCCTTTTGCCACTGCTGTGGCTGA-3'
Protein context (NP_006497.2, residues 353-373): ICRDKNDAVL[Pro363Arg]LVRLLLHHDK